The following is an entry in ClinVar:

ClinVar aggregate classification (germline): Conflicting classifications of pathogenicity. Review status: criteria provided, conflicting classifications (1 of 4 stars). 2 submissions from 2 submitters: Uncertain significance (1); Likely benign (1). Last evaluated 2024-04-30.

Conditions:
Epidermolysis bullosa simplex 5B, with muscular dystrophy (EBS5B). Also called: Epidermolysis bullosa simplex with muscular dystrophy; EPIDERMOLYSIS BULLOSA SIMPLEX AND LIMB-GIRDLE MUSCULAR DYSTROPHY. Identifiers: Orphanet 257, MedGen C2931072, MONDO:0009181, OMIM 226670.
Epidermolysis bullosa simplex with nail dystrophy (EBS5D). Identifiers: MedGen C4225309, MONDO:0014661, OMIM 616487.
Epidermolysis bullosa simplex, Ogna type (EBS5A). Also called: Pidermolysis bullosa simplex 5A, Ogna type; EPIDERMOLYSIS BULLOSA SIMPLEX 5A, OGNA TYPE. Identifiers: Orphanet 79401, MedGen C0432317, MONDO:0007555, OMIM 131950.
Epidermolysis bullosa simplex 5C, with pyloric atresia (EBS5C). Also called: PLEC1-Related Epidermolysis Bullosa with Pyloric Atresia; PLEC-Related Epidermolysis Bullosa with Pyloric Atresia; Epidermolysis bullosa simplex with pyloric atresia. Identifiers: Orphanet 158684, MedGen C2677349, MONDO:0012807, OMIM 612138.
Autosomal recessive limb-girdle muscular dystrophy type 2Q (LGMDR17). Also called: MUSCULAR DYSTROPHY, LIMB-GIRDLE, AUTOSOMAL RECESSIVE 17. Identifiers: Orphanet 254361, MedGen C3150989, MONDO:0013390, OMIM 613723.

gnomAD v4.1: 12 of 1,596,716 alleles (0.00075%); highest among the groups gnomAD compares: East Asian, 0.0022%; no homozygotes.

Submissions (2):

Labcorp Genetics (formerly Invitae), Labcorp
Classification: Uncertain significance for Autosomal recessive limb-girdle muscular dystrophy type 2Q; Epidermolysis bullosa simplex, Ogna type; Epidermolysis bullosa simplex with nail dystrophy; Epidermolysis bullosa simplex 5C, with pyloric atresia; Epidermolysis bullosa simplex 5B, with muscular dystrophy. Last evaluated: 2024-04-30. Review status: criteria provided, single submitter. Criteria: Invitae Variant Classification Sherloc (09022015). Collection method: clinical testing. Allele origin: germline.
Comment: This sequence change replaces alanine, which is neutral and non-polar, with valine, which is neutral and non-polar, at codon 1882 of the PLEC protein (p.Ala1882Val). This variant is present in population databases (rs782298083, gnomAD 0.003%). This variant has not been reported in the literature in individuals affected with PLEC-related conditions. Algorithms developed to predict the effect of missense changes on protein structure and function output the following: SIFT: "Not Available"; PolyPhen-2: "Not Available"; Align-GVGD: "Not Available". The valine amino acid residue is found in multiple mammalian species, which suggests that this missense change does not adversely affect protein function. In summary, the available evidence is currently insufficient to determine the role of this variant in disease. Therefore, it has been classified as a Variant of Uncertain Significance.

Blueprint Genetics
Classification: Likely benign. Last evaluated: 2023-01-16. Review status: criteria provided, single submitter. Criteria: ACMG Guidelines, 2015. Collection method: clinical testing. Allele origin: germline.

NM_201384.3(PLEC):c.5564C>T (p.Ala1855Val)

Gene: PLEC (plectin; minus strand). Cytogenetic location: 8q24.3.
Variant type: single nucleotide variant.
Coding change: c.5564C>T on transcript NM_201384.3 (MANE Select); coding-DNA position 5564, C replaced by T.
Protein change: p.Ala1855Val; replaces alanine 1855 with valine.
Molecular consequence: missense variant. On other transcripts: intron variant (1).
Genome position (GRCh38, 1-based): chr8:143,924,365, G>A on the plus strand (C>T on the coding strand, the complement: PLEC is on the minus strand). VCF-style: chr8-143924365-G-A. GRCh37 (hg19) VCF-style: chr8-144998533-G-A.
Other names: c.5645C>T, p.Ala1882Val (NM_000445.5); c.5522C>T, p.Ala1841Val (NM_201378.4); c.5498C>T, p.Ala1833Val (NM_201379.3); c.5975C>T, p.Ala1992Val (NM_201380.4); c.5468C>T, p.Ala1823Val (NM_201381.3); c.5564C>T, p.Ala1855Val (NM_201382.4); c.5576C>T, p.Ala1859Val (NM_201383.3); c.4126-1970C>T (NM_001410941.1); short protein forms A1823V, A1833V, A1841V, A1855V, A1859V, A1882V, A1992V.
Identifiers: ClinVar variation 3762277 (VCV003762277.3).
Genomic context (GRCh38, chr8:143,924,365, plus strand): 5'-AAGGCCTCGTCCTCCGCCAGCCGCCGCAGGCGCTCGTTCTCCGCCTCCTTCTCCTTGAGC[G>A]CGATCTCCGCCTCCGTCTTGAGCCGCGTGGCCTCGCCGATGGCGGCCAGCTTCTCCGCAA-3'
Protein context (NP_958786.1, residues 1845-1865): ATRLKTEAEI[Ala1855Val]LKEKEAENER